The following is an entry in ClinVar:

ClinVar aggregate classification (germline): Likely pathogenic. Review status: criteria provided, multiple submitters, no conflicts (2 of 4 stars). 3 submissions from 3 submitters: Likely pathogenic (3). Last evaluated 2024-02-01.

Conditions:
UBR1-related disorder. Also called: UBR1-related condition.

Allele frequency attached by ClinVar (database versions not stated): ExAC 0.00001; gnomAD 0.00001; gnomAD exomes 0.00001; TOPMed 0.00001.
gnomAD v4.1: 93 of 1,613,640 alleles (0.0058%); highest among the groups gnomAD compares: Non-Finnish European, 0.0075%; no homozygotes.

Submissions (3):

Labcorp Genetics (formerly Invitae), Labcorp
Classification: Likely pathogenic. Last evaluated: 2024-02-01. Review status: criteria provided, single submitter. Criteria: Invitae Variant Classification Sherloc (09022015). Collection method: clinical testing. Allele origin: germline.
Comment: This sequence change replaces alanine, which is neutral and non-polar, with aspartic acid, which is acidic and polar, at codon 563 of the UBR1 protein (p.Ala563Asp). This variant is present in population databases (rs768686147, gnomAD 0.002%). This missense change has been observed in individual(s) with Johanson-Blizzard syndrome (PMID: 24599544). ClinVar contains an entry for this variant (Variation ID: 381721). Advanced modeling of protein sequence and biophysical properties (such as structural, functional, and spatial information, amino acid conservation, physicochemical variation, residue mobility, and thermodynamic stability) performed at Invitae indicates that this missense variant is expected to disrupt UBR1 protein function with a positive predictive value of 80%. In summary, the currently available evidence indicates that the variant is pathogenic, but additional data are needed to prove that conclusively. Therefore, this variant has been classified as Likely Pathogenic.

Blueprint Genetics
Classification: Likely pathogenic for UBR1-related disorders. Last evaluated: 2019-12-04. Review status: criteria provided, single submitter. Criteria: ACMG Guidelines, 2015. Collection method: clinical testing. Allele origin: germline. Affected: yes. Observed: 1 variant allele.

GeneDx
Classification: Likely pathogenic. Last evaluated: 2017-01-11. Review status: criteria provided, single submitter. Criteria: GeneDx Variant Classification (06012015). Collection method: clinical testing. Allele origin: germline. Affected: yes.
Comment: The A563D variant in the UBR1 gene has been previously reported in the homozygous state in two siblings with Johanson-Blizzard syndrome (JBS) (Sukalo et al., 2014). This variant was also observed in the heterozygous state in an unrelated individual with JBS who did not harbor a second URB1 variant (Sukalo et al., 2014). The A563D variant was not observed in approximately 6500 individuals of European and African American ancestry in the NHLBI Exome Sequencing Project, indicating it is not a common benign variant in these populations. The A563D variant is a non-conservative amino acid substitution, which is likely to impact secondary protein structure as these residues differ in polarity, charge, size and/or other properties. This substitution occurs at a position that is conserved in mammals. In silico analysis predicts this variant is probably damaging to the protein structure/function. Given the available evidence, we interpret A563D as a strong candidate for a pathogenic variant; however, the possibility it may be a rare benign variant cannot be completely excluded.

Literature cited by the submitters: PubMed 24599544 (cited by Labcorp Genetics (formerly Invitae), Labcorp).

NM_174916.3(UBR1):c.1688C>A (p.Ala563Asp)

Gene: UBR1 (ubiquitin protein ligase E3 component n-recognin 1; minus strand). Cytogenetic location: 15q15.2.
Variant type: single nucleotide variant.
Coding change: c.1688C>A on transcript NM_174916.3 (MANE Select); coding-DNA position 1688, C replaced by A.
Protein change: p.Ala563Asp; replaces alanine 563 with aspartic acid.
Molecular consequence: missense variant.
Genome position (GRCh38, 1-based): chr15:43,043,376, G>T on the plus strand (C>A on the coding strand, the complement: UBR1 is on the minus strand). VCF-style: chr15-43043376-G-T. GRCh37 (hg19) VCF-style: chr15-43335574-G-T.
Other names: short protein forms A563D.
Identifiers: ClinVar variation 381721 (VCV000381721.11), dbSNP rs768686147, ClinGen allele CA7518664.